The following is an entry in ClinVar:

NM_000059.4(BRCA2):c.7714A>T (p.Ser2572Cys)

Gene: BRCA2 (BRCA2 DNA repair associated; plus strand). Cytogenetic location: 13q13.1.
Variant type: single nucleotide variant.
Coding change: c.7714A>T on transcript NM_000059.4 (MANE Select); coding-DNA position 7714, A replaced by T.
Protein change: p.Ser2572Cys; replaces serine 2572 with cysteine.
Molecular consequence: missense variant. On other transcripts: non-coding transcript variant (1).
Genome position (GRCh38, 1-based): chr13:32,357,838, A>T. VCF-style: chr13-32357838-A-T. GRCh37 (hg19) VCF-style: chr13-32931975-A-T.
Other names: c.7618A>T, p.Ser2540Cys (NM_001406719.1); c.7714A>T, p.Ser2572Cys (NM_001406720.1, NM_001432077.1); c.2782A>T, p.Ser928Cys (NM_001406721.1); c.1297A>T, p.Ser433Cys (NM_001406722.1); short protein forms S2540C, S2572C, S433C, S928C.
Identifiers: ClinVar variation 4802346 (VCV004802346.1).

ClinVar aggregate classification (germline): Uncertain significance (1 of 4 stars; one submission).

Conditions:
Hereditary breast ovarian cancer syndrome. Also called: Hereditary breast and ovarian cancer syndrome (HBOC); Hereditary breast and ovarian cancer; Breast and ovarian cancer; Hereditary breast and/or ovarian cancer syndrome; BRCA1- and BRCA2-Associated Hereditary Breast and Ovarian Cancer; Hereditary breast and ovarian cancer syndrome. Identifiers: Orphanet 145, MedGen C0677776, MeSH D061325, MONDO:0003582. Disease mechanism: loss of function.

Submission:

Labcorp Genetics (formerly Invitae), Labcorp
Classification: Uncertain significance for Hereditary breast ovarian cancer syndrome. Last evaluated: 2025-05-04. Review status: criteria provided, single submitter. Criteria: Invitae Variant Classification Sherloc (09022015). Collection method: clinical testing. Allele origin: germline.
Comment: This sequence change replaces serine, which is neutral and polar, with cysteine, which is neutral and slightly polar, at codon 2572 of the BRCA2 protein (p.Ser2572Cys). This variant is not present in population databases (gnomAD no frequency). This variant has not been reported in the literature in individuals affected with BRCA2-related conditions. Invitae Evidence Modeling of protein sequence and biophysical properties (such as structural, functional, and spatial information, amino acid conservation, physicochemical variation, residue mobility, and thermodynamic stability) indicates that this missense variant is not expected to disrupt BRCA2 protein function with a negative predictive value of 95%. In summary, the available evidence is currently insufficient to determine the role of this variant in disease. Therefore, it has been classified as a Variant of Uncertain Significance.